The following is an entry in ClinVar:

NM_000219.6(KCNE1):c.230del (p.Pro77fs)

Gene: KCNE1 (potassium voltage-gated channel subfamily E regulatory subunit 1; minus strand). Cytogenetic location: 21q22.12.
Variant type: Deletion.
Coding change: c.230del on transcript NM_000219.6 (MANE Select); coding-DNA position 230, one base deleted (C; older notation c.230delC).
Protein change: p.Pro77fs; shifts the reading frame from proline 77.
Molecular consequence: frameshift variant.
Genome position (GRCh38, 1-based): chr21:34,449,405, G deleted on the plus strand (C on the coding strand, the reverse complement: KCNE1 is on the minus strand); the first of 3 consecutive G bases (chr21:34,449,405-34,449,407); deleting any one gives the same sequence. VCF-style (leftmost placement, unchanged base first): chr21-34449404-TG-T. GRCh37 (hg19) VCF-style: chr21-35821702-TG-T.
Other names: c.230del, p.Pro77fs (NM_001127668.4, NM_001127669.4, NM_001127670.4 and 4 more transcripts); short protein forms P77fs.
Identifiers: ClinVar variation 1415503 (VCV001415503.6), dbSNP rs2123457833, ClinGen allele CA2573157404.
Genomic context (GRCh38, chr21:34,449,404, plus strand): 5'-GGCCTGGACATAGGCCTTGTCCTTCTCTTGCCAGGCATCGGACTCGATGTAGACGTTGAA[TG>T]GGTCGTTCGAGTGCTCCAGCTTCTTGGAGCGGATGTAGCTCAGCATGATGCCCAGGGTGA-3'

ClinVar aggregate classification (germline): Pathogenic (1 of 4 stars; one submission).

Conditions:
Long QT syndrome (LQTS). Identifiers: MedGen C0023976, MeSH D008133, MONDO:0002442. Disease mechanism: loss of function. Inheritance: Various modes of inheritance.

Submission:

Labcorp Genetics (formerly Invitae), Labcorp
Classification: Pathogenic for Long QT syndrome. Last evaluated: 2021-09-03. Review status: criteria provided, single submitter. Criteria: Invitae Variant Classification Sherloc (09022015). Collection method: clinical testing. Allele origin: germline.
Comment: This sequence change creates a premature translational stop signal (p.Pro77Hisfs*39) in the KCNE1 gene. While this is not anticipated to result in nonsense mediated decay, it is expected to disrupt the last 53 amino acid(s) of the KCNE1 protein. This variant is not present in population databases (ExAC no frequency). This variant has not been reported in the literature in individuals affected with KCNE1-related conditions. This variant disrupts a region of the KCNE1 protein in which other variant(s) (p.Arg98Trp) have been determined to be pathogenic (Invitae). This suggests that this is a clinically significant region of the protein, and that variants that disrupt it are likely to be disease-causing. For these reasons, this variant has been classified as Pathogenic.